The following is an entry in ClinVar:

ClinVar aggregate classification (germline): Uncertain significance (1 of 4 stars; one submission).

Conditions:
Familial thoracic aortic aneurysm and aortic dissection (TAAD). Also called: Thoracic aortic aneurysms and dissections. Identifiers: Orphanet 91387, MedGen C4707243, MONDO:0019625.

Submission:

Labcorp Genetics (formerly Invitae), Labcorp
Classification: Uncertain significance for Familial thoracic aortic aneurysm and aortic dissection. Last evaluated: 2022-09-18. Review status: criteria provided, single submitter. Criteria: Invitae Variant Classification Sherloc (09022015). Collection method: clinical testing. Allele origin: germline.
Comment: This variant results in a copy number gain of the genomic region encompassing exon(s) 1 of the SMAD3 gene. This region includes the initiator codon of the gene. This copy number gain extends beyond the assayed region for this gene and therefore may encompass additional genes. As the precise location of this event is unknown, it may be in tandem or it may be located elsewhere in the genome. This variant has not been reported in the literature in individuals affected with SMAD3-related conditions. In summary, the available evidence is currently insufficient to determine the role of this variant in disease. Therefore, it has been classified as a Variant of Uncertain Significance.

NC_000015.9:g.(?_67358493)_(67358718_?)dup

Gene: SMAD3 (SMAD family member 3; plus strand). Cytogenetic location: 15q22.33.
Variant type: Duplication.
Identifiers: ClinVar variation 2425439 (VCV002425439.3).